The following is an entry in ClinVar:

ClinVar aggregate classification (germline): Benign/Likely benign. Review status: criteria provided, multiple submitters, no conflicts (2 of 4 stars). 5 submissions from 5 submitters: Benign (1); Likely benign (4). Last evaluated 2026-06-01.

Conditions:
Inborn genetic diseases. Identifiers: MedGen C0950123, MeSH D030342.
Developmental and epileptic encephalopathy, 31A. Also called: Epileptic encephalopathy, early infantile, 31; Developmental and epileptic encephalopathy, 31. Identifiers: Orphanet 2382, MedGen C4225357, MONDO:0014598, OMIM 616346.
DNM1-related disorder. Also called: DNM1-related condition.

Allele frequency attached by ClinVar (database versions not stated): gnomAD exomes 0.00012; 1000 Genomes Project 30x 0.00016; ExAC 0.00017; 1000 Genomes Project 0.00020; gnomAD 0.00033 and 0.00036; TOPMed 0.00035; ESP Exome Variant Server 0.00038.
gnomAD v4.1: 110 of 1,613,844 alleles (0.0068%); highest among the groups gnomAD compares: African/African-American, 0.13%; 1 homozygote.

Submissions (5):

CeGaT Center for Human Genetics Tuebingen
Classification: Likely benign. Last evaluated: 2026-06-01. Review status: criteria provided, single submitter. Criteria: CeGaT Center For Human Genetics Tuebingen Variant Classification Criteria Version 2. Collection method: clinical testing. Allele origin: germline. Affected: yes. Observed: 2 variant alleles.
Comment: DNM1: BP4, BP7

Labcorp Genetics (formerly Invitae), Labcorp
Classification: Benign for Developmental and epileptic encephalopathy, 31A. Last evaluated: 2026-01-13. Review status: criteria provided, single submitter. Criteria: Invitae Variant Classification Sherloc (09022015). Collection method: clinical testing. Allele origin: germline.

PreventionGenetics, part of Exact Sciences
Classification: Likely benign for DNM1-related condition. Last evaluated: 2024-12-01. Review status: criteria provided, single submitter. Criteria: ACMG Guidelines, 2015. Collection method: clinical testing. Allele origin: germline.
Comment: This variant is classified as likely benign based on ACMG/AMP sequence variant interpretation guidelines (Richards et al. 2015 PMID: 25741868, with internal and published modifications).

Ambry Genetics
Classification: Likely benign for Inborn genetic diseases. Last evaluated: 2023-04-25. Review status: criteria provided, single submitter. Criteria: Ambry Variant Classification Scheme 2023. Collection method: clinical testing. Allele origin: germline.

GeneDx
Classification: Likely benign. Last evaluated: 2021-09-10. Review status: criteria provided, single submitter. Criteria: GeneDx Variant Classification Process June 2021. Collection method: clinical testing. Allele origin: germline. Affected: yes.

Literature cited by the submitters: PubMed 31785789 (cited by Ambry Genetics).

NM_004408.4(DNM1):c.1437C>T (p.Ile479=)

Gene: DNM1 (dynamin 1; plus strand). Cytogenetic location: 9q34.11.
Variant type: single nucleotide variant.
Coding change: c.1437C>T on transcript NM_004408.4 (MANE Select); coding-DNA position 1437, C replaced by T.
Protein change: p.Ile479=; no amino-acid change (isoleucine 479 retained).
Molecular consequence: synonymous variant.
Genome position (GRCh38, 1-based): chr9:128,239,459, C>T. VCF-style: chr9-128239459-C-T. GRCh37 (hg19) VCF-style: chr9-131001738-C-T.
Other names: c.1437C>T, p.Ile479= (NM_001005336.3, NM_001288737.2, NM_001288738.2 and 1 more transcripts).
Identifiers: ClinVar variation 508345 (VCV000508345.27), dbSNP rs141788807, ClinGen allele CA5258176.
Genomic context (GRCh38, chr9:128,239,459, plus strand): 5'-TTGTGGTGTCTTTTGCGCTTGCCCACCAACCTATGTATCCTTGAAGGTCATGCTTCTCAT[C>T]GATATCGAGCTGGCTTACATGAACACCAACCATGAGGACTTCATAGGCTTTGCCAAGTGA-3'
Protein context (NP_004399.2, residues 469-489): GRTKEQVMLL[Ile479=]DIELAYMNTN